The following is an entry in ClinVar:

ClinVar aggregate classification (germline): Uncertain significance (1 of 4 stars; one submission).

Allele frequency attached by ClinVar (database versions not stated): gnomAD exomes below 0.00001.

Submission:

Labcorp Genetics (formerly Invitae), Labcorp
Classification: Uncertain significance. Last evaluated: 2020-02-24. Review status: criteria provided, single submitter. Criteria: Invitae Variant Classification Sherloc (09022015). Collection method: clinical testing. Allele origin: germline.
Comment: In summary, the available evidence is currently insufficient to determine the role of this variant in disease. Therefore, it has been classified as a Variant of Uncertain Significance. Algorithms developed to predict the effect of missense changes on protein structure and function are either unavailable or do not agree on the potential impact of this missense change (SIFT: "Deleterious"; PolyPhen-2: "Probably Damaging"; Align-GVGD: "Class C0"). This variant has not been reported in the literature in individuals with KCNV2-related conditions. This variant is not present in population databases (ExAC no frequency). This sequence change replaces leucine with arginine at codon 350 of the KCNV2 protein (p.Leu350Arg). The leucine residue is highly conserved and there is a moderate physicochemical difference between leucine and arginine.

NM_133497.4(KCNV2):c.1049T>G (p.Leu350Arg)

Gene: KCNV2 (potassium voltage-gated channel modifier subfamily V member 2; plus strand). Cytogenetic location: 9p24.2.
Variant type: single nucleotide variant.
Coding change: c.1049T>G on transcript NM_133497.4 (MANE Select); coding-DNA position 1049, T replaced by G.
Protein change: p.Leu350Arg; replaces leucine 350 with arginine.
Molecular consequence: missense variant.
Genome position (GRCh38, 1-based): chr9:2,718,788, T>G. VCF-style: chr9-2718788-T-G. GRCh37 (hg19) VCF-style: chr9-2718788-T-G.
Other names: short protein forms L350R.
Identifiers: ClinVar variation 939417 (VCV000939417.9), dbSNP rs1819801593, ClinGen allele CA372801539.